The following is an entry in ClinVar:

NM_001042492.3(NF1):c.2139_2140del (p.Leu713_Cys714insTer)

Gene: NF1 (neurofibromin 1; plus strand). Cytogenetic location: 17q11.2.
Variant type: Microsatellite.
Coding change: c.2139_2140del on transcript NM_001042492.3 (MANE Select); coding-DNA positions 2139 to 2140, 2 bases deleted (CT; older notation c.2139_2140delCT).
Protein change: p.Leu713_Cys714insTer.
Molecular consequence: frameshift variant. On other transcripts: nonsense (1).
Genome position (GRCh38, 1-based): chr17:31,226,572-31,226,573, CT deleted; deleting any 2 consecutive bases within chr17:31,226,570-31,226,573 gives the same sequence; the c. name uses the placement nearest the transcript's 3' end. VCF-style (leftmost placement, unchanged base first): chr17-31226569-CCT-C. GRCh37 (hg19) VCF-style: chr17-29553587-CCT-C.
Other names: c.2137_2138CT[1], p.Cys714Terfs (NM_000267.4).
Identifiers: ClinVar variation 3646793 (VCV003646793.2).
Genomic context (GRCh38, chr17:31,226,569, plus strand): 5'-CATGTTTCTGTGGAACCCTGACACTGAAGCTGTTCTGGTTGCCATGTCCTGTTTCCGCCA[CCT>C]CTGTGAGGAAGCAGATATCCGGTGTGGGGTGGATGAAGTGTCAGTGCATAACCTCTTGCC-3'

ClinVar aggregate classification (germline): Pathogenic (1 of 4 stars; one submission).

Conditions:
Neurofibromatosis, type 1 (NF1). Also called: Peripheral type neurofibromatosis; VON RECKLINGHAUSEN DISEASE; Neurofibromatosis, type I; NEUROFIBROMATOSIS, TYPE I, SOMATIC. Identifiers: Orphanet 636, MedGen C0027831, MONDO:0018975, OMIM 162200. Disease mechanism: loss of function.

Submission:

Labcorp Genetics (formerly Invitae), Labcorp
Classification: Pathogenic for Neurofibromatosis, type 1. Last evaluated: 2024-03-21. Review status: criteria provided, single submitter. Criteria: Invitae Variant Classification Sherloc (09022015). Collection method: clinical testing. Allele origin: germline.
Comment: This sequence change creates a premature translational stop signal (p.Cys714*) in the NF1 gene. It is expected to result in an absent or disrupted protein product. Loss-of-function variants in NF1 are known to be pathogenic (PMID: 10712197, 23913538). This variant is not present in population databases (gnomAD no frequency). This variant has not been reported in the literature in individuals affected with NF1-related conditions. For these reasons, this variant has been classified as Pathogenic.

Literature cited by the submitters: PubMed 10712197; PubMed 23913538.